The following is an entry in ClinVar:

ClinVar aggregate classification (germline): Pathogenic (1 of 4 stars; one submission).

Conditions:
Inborn genetic diseases. Identifiers: MedGen C0950123, MeSH D030342.

Submission:

Ambry Genetics
Classification: Pathogenic for Inborn genetic diseases. Last evaluated: 2026-06-10. Review status: criteria provided, single submitter. Criteria: Ambry Variant Classification Scheme 2023. Collection method: clinical testing. Allele origin: germline.
Comment: The c.216delC (p.N72Kfs*42) alteration, located in exon 1 (coding exon 1) of the SLC12A3 gene, consists of a deletion of one nucleotide at position 216, causing a translational frameshift with a predicted alternate stop codon after 42 amino acids. This variant is expected to result in loss of function by premature protein truncation or nonsense-mediated mRNA decay. This variant was not reported in population-based cohorts in the Genome Aggregation Database (gnomAD). Based on the available evidence, this alteration is classified as pathogenic.

NM_001126108.2(SLC12A3):c.216del (p.Asn72fs)

Gene: SLC12A3 (solute carrier family 12 member 3; plus strand). Cytogenetic location: 16q13.
Variant type: Deletion.
Coding change: c.216del on transcript NM_001126108.2 (MANE Select); coding-DNA position 216, one base deleted (C; older notation c.216delC).
Protein change: p.Asn72fs; shifts the reading frame from asparagine 72.
Molecular consequence: frameshift variant.
Genome position (GRCh38, 1-based): chr16:56,865,451, C deleted. VCF-style (leftmost placement, unchanged base first): chr16-56865450-AC-A. GRCh37 (hg19) VCF-style: chr16-56899362-AC-A.
Other names: c.216del, p.Asn72fs (NM_000339.3, NM_001126107.2, NM_001410896.1); short protein forms N72fs.
Identifiers: ClinVar variation 4864550 (VCV004864550.1).